The following is an entry in ClinVar:

NM_025137.4(SPG11):c.560T>C (p.Val187Ala)

Gene: SPG11 (SPG11 vesicle trafficking associated, spatacsin; minus strand). Cytogenetic location: 15q21.1.
Variant type: single nucleotide variant.
Coding change: c.560T>C on transcript NM_025137.4 (MANE Select); coding-DNA position 560, T replaced by C.
Protein change: p.Val187Ala; replaces valine 187 with alanine.
Molecular consequence: missense variant.
Genome position (GRCh38, 1-based): chr15:44,659,186, A>G on the plus strand (T>C on the coding strand, the complement: SPG11 is on the minus strand). VCF-style: chr15-44659186-A-G. GRCh37 (hg19) VCF-style: chr15-44951384-A-G.
Other names: c.560T>C, p.Val187Ala (NM_001160227.2); short protein forms V187A.
Identifiers: ClinVar variation 945966 (VCV000945966.9), dbSNP rs2085030329, ClinGen allele CA392237792.

ClinVar aggregate classification (germline): Uncertain significance (1 of 4 stars; one submission).

Conditions:
Hereditary spastic paraplegia 11. Also called: Spastic Paraplegia 11; Nakamura Osame syndrome; Autosomal recessive hereditary spastic paraplegia, mental impairment, and thin corpus callosum; Spastic paraplegia, mental retardation and thin corpus callosum; SPASTIC PARAPLEGIA, AUTOSOMAL RECESSIVE, COMPLICATED, WITH THIN CORPUS CALLOSUM; SPASTIC PARAPLEGIA, AUTOSOMAL RECESSIVE, WITH MENTAL IMPAIRMENT AND THIN CORPUS CALLOSUM. Identifiers: Orphanet 2822, MedGen C1858479, MONDO:0011445, OMIM 604360.

Submission:

Labcorp Genetics (formerly Invitae), Labcorp
Classification: Uncertain significance for Hereditary spastic paraplegia 11. Last evaluated: 2022-08-16. Review status: criteria provided, single submitter. Criteria: Invitae Variant Classification Sherloc (09022015). Collection method: clinical testing. Allele origin: germline.
Comment: This variant has not been reported in the literature in individuals affected with SPG11-related conditions. Algorithms developed to predict the effect of missense changes on protein structure and function (SIFT, PolyPhen-2, Align-GVGD) all suggest that this variant is likely to be tolerated. ClinVar contains an entry for this variant (Variation ID: 945966). This variant is not present in population databases (gnomAD no frequency). This sequence change replaces valine, which is neutral and non-polar, with alanine, which is neutral and non-polar, at codon 187 of the SPG11 protein (p.Val187Ala). In summary, the available evidence is currently insufficient to determine the role of this variant in disease. Therefore, it has been classified as a Variant of Uncertain Significance.